The following is an entry in ClinVar:

NM_001148.6(ANK2):c.3158T>A (p.Leu1053His)

Gene: ANK2 (ankyrin 2; plus strand). Cytogenetic location: 4q26.
Variant type: single nucleotide variant.
Coding change: c.3158T>A on transcript NM_001148.6 (MANE Select); coding-DNA position 3158, T replaced by A.
Protein change: p.Leu1053His; replaces leucine 1053 with histidine.
Molecular consequence: missense variant. On other transcripts: intron variant (42).
Genome position (GRCh38, 1-based): chr4:113,332,004, T>A. VCF-style: chr4-113332004-T-A. GRCh37 (hg19) VCF-style: chr4-114253160-T-A.
Other names: c.3131T>A, p.Leu1044His (NM_001127493.3); c.3170T>A, p.Leu1057His (NM_001354225.2); c.3200T>A, p.Leu1067His (NM_001354231.2, NM_001354242.2); c.3194T>A, p.Leu1065His (NM_001354232.2); c.3155T>A, p.Leu1052His (NM_001354235.2, NM_001354246.2, NM_001354265.2); c.3236T>A, p.Leu1079His (NM_001354237.2); c.3128T>A, p.Leu1043His (NM_001354239.2, NM_001354252.2); c.3203T>A, p.Leu1068His (NM_001354240.2, NM_001354241.2, NM_001386144.1); and 28 more; short protein forms L1036H, L1044H, L1048H, L1053H, L1057H, L1100H, L982H, L1067H.
Identifiers: ClinVar variation 1497911 (VCV001497911.8), dbSNP rs1486672262, ClinGen allele CA357935438.

ClinVar aggregate classification (germline): Uncertain significance (1 of 4 stars; one submission).

Conditions:
Long QT syndrome (LQTS). Identifiers: MedGen C0023976, MeSH D008133, MONDO:0002442. Disease mechanism: loss of function. Inheritance: Various modes of inheritance.

Allele frequency attached by ClinVar (database versions not stated): TOPMed below 0.00001.

Submission:

Labcorp Genetics (formerly Invitae), Labcorp
Classification: Uncertain significance for Long QT syndrome. Last evaluated: 2021-06-09. Review status: criteria provided, single submitter. Criteria: Invitae Variant Classification Sherloc (09022015). Collection method: clinical testing. Allele origin: germline.
Comment: In summary, the available evidence is currently insufficient to determine the role of this variant in disease. Therefore, it has been classified as a Variant of Uncertain Significance. Algorithms developed to predict the effect of missense changes on protein structure and function are either unavailable or do not agree on the potential impact of this missense change (SIFT: "Deleterious"; PolyPhen-2: "Probably Damaging"; Align-GVGD: "Class C0"). This variant has not been reported in the literature in individuals with ANK2-related conditions. This variant is not present in population databases (ExAC no frequency). This sequence change replaces leucine with histidine at codon 1053 of the ANK2 protein (p.Leu1053His). The leucine residue is weakly conserved and there is a moderate physicochemical difference between leucine and histidine.